The following is an entry in ClinVar:

ClinVar aggregate classification (germline): Conflicting classifications of pathogenicity. Review status: criteria provided, conflicting classifications (1 of 4 stars). 16 submissions from 16 submitters: Uncertain significance (10); Benign (1); Likely benign (1). 4 of the submissions do not count toward it. Last evaluated 2025-08-01.

Conditions:
Breast-ovarian cancer, familial, susceptibility to, 5 (BROVCA5). Identifiers: MedGen C5830615, MONDO:0957530, OMIM 620442.
Hereditary cancer-predisposing syndrome. Also called: Tumor predisposition; Neoplastic Syndromes, Hereditary; Hereditary Cancer Syndrome; Hereditary neoplastic syndrome. Identifiers: Orphanet 140162, MedGen C0027672, MeSH D009386, MONDO:0015356.
Familial cancer of breast. Also called: hereditary breast carcinoma; BREAST CANCER, FAMILIAL; Hereditary breast cancer. Identifiers: Orphanet 227535, MedGen C0346153, MONDO:0016419, OMIM 114480. Disease mechanism: loss of function.
Malignant tumor of breast. Also called: Malignant breast neoplasm; Cancer breast. Identifiers: MedGen C0006142, MONDO:0007254. Disease mechanism: loss of function.

Allele frequency attached by ClinVar (database versions not stated): ExAC 0.00001; gnomAD 0.00001; TOPMed 0.00001; gnomAD exomes 0.00002.

Submissions 1 to 9 of 16:

CeGaT Center for Human Genetics Tuebingen
Classification: Likely benign. Last evaluated: 2025-08-01. Review status: criteria provided, single submitter. Criteria: CeGaT Center For Human Genetics Tuebingen Variant Classification Criteria Version 2. Collection method: clinical testing. Allele origin: germline. Affected: yes. Observed: 4 variant alleles.
Comment: PALB2: BP1, BS3:Supporting

Myriad Genetics, Inc.
Classification: Benign for Familial cancer of breast. Last evaluated: 2025-01-17. Review status: criteria provided, single submitter. Criteria: Myriad Autosomal Dominant, Autosomal Recessive and X-Linked Classification Criteria (2023). Collection method: clinical testing. Allele origin: unknown.
Comment: This variant is considered benign. This variant is strongly associated with less severe personal and family histories of cancer, typical for individuals without pathogenic variants in this gene [PMID: 25085752]. This variant has been observed in trans with a known pathogenic variant in one or more individuals lacking clinical features consistent with gene-specific recessive disease.

Labcorp Genetics (formerly Invitae), Labcorp
Classification: Uncertain significance for Familial cancer of breast. Last evaluated: 2024-10-15. Review status: criteria provided, single submitter. Criteria: Invitae Variant Classification Sherloc (09022015). Collection method: clinical testing. Allele origin: germline.
Comment: This sequence change replaces leucine, which is neutral and non-polar, with arginine, which is basic and polar, at codon 931 of the PALB2 protein (p.Leu931Arg). This variant is present in population databases (rs773831304, gnomAD 0.003%). This missense change has been observed in individual(s) with breast and/or ovarian cancer (PMID: 24556926, 25452441, 29522266, 30086788, 30651582, 33980423). ClinVar contains an entry for this variant (Variation ID: 186840). Invitae Evidence Modeling of protein sequence and biophysical properties (such as structural, functional, and spatial information, amino acid conservation, physicochemical variation, residue mobility, and thermodynamic stability) indicates that this missense variant is expected to disrupt PALB2 protein function with a positive predictive value of 80%. Experimental studies have shown that this missense change does not substantially affect PALB2 function (PMID: 31636395, 31757951). In summary, the available evidence is currently insufficient to determine the role of this variant in disease. Therefore, it has been classified as a Variant of Uncertain Significance.

GeneDx
Classification: Uncertain significance. Last evaluated: 2024-10-09. Review status: criteria provided, single submitter. Criteria: GeneDx Variant Classification Process June 2021. Collection method: clinical testing. Allele origin: germline. Affected: yes.
Comment: In silico analysis supports that this missense variant has a deleterious effect on protein structure/function; Not observed at significant frequency in large population cohorts (gnomAD); This variant is associated with the following publications: (PMID: 25452441, 24556926, 33980423, 31636395, 33471991, 31757951, 30651582, 31159747, 31942411, 30086788, 32658311, 29522266, 24485656, 19609323, 20871615)

Ambry Genetics
Classification: Uncertain significance for Hereditary cancer-predisposing syndrome. Last evaluated: 2024-06-26. Review status: criteria provided, single submitter. Criteria: Ambry Variant Classification Scheme 2023. Collection method: clinical testing. Allele origin: germline.
Comment: The p.L931R variant (also known as c.2792T>G), located in coding exon 8 of the PALB2 gene, results from a T to G substitution at nucleotide position 2792. The leucine at codon 931 is replaced by arginine, an amino acid with dissimilar properties. This variant has been reported in multiple individuals diagnosed with breast and/or ovarian cancer (Catucci I et al. Genet. Med. 2014 Sep;16(9):688-94; Couch FJ et al. J. Clin. Oncol., 2015 Feb;33:304-11; Krivokuca A et al. J. Hum. Genet., 2019 Apr;64:281-290; Tsaousis GN et al. BMC Cancer, 2019 Jun;19:535; Penkert J et al. Breast Cancer Res., 2018 08;20:87; Hauke J et al. Cancer Med, 2018 04;7:1349-1358; Dorling et al. N Engl J Med. 2021 02;384:428-439). This variant was also reported in 2/107 Macedonian individuals with a clinical history of hereditary polyposis or hereditary non-polyposis colorectal cancer who underwent multi-gene panel testing (Staninova-Stojovska M et al. Balkan J Med Genet, 2019 Dec;22:5-16). In one homology-directed DNA repair (HDR) assay, this alteration was found to be functionally normal (Boonen RACM et al. Nat Commun, 2019 11;10:5296). However, this alteration was found to be functionally inconclusive in another homology-directed DNA repair (HDR) assay (Wiltshire T et al. Genet Med, 2020 03;22:622-632). This amino acid position is highly conserved in available vertebrate species. In addition, the in silico prediction for this alteration is inconclusive. Since supporting evidence is limited at this time, the clinical significance of this alteration remains unclear.

Color Diagnostics, LLC DBA Color Health
Classification: Uncertain significance for Hereditary cancer-predisposing syndrome. Last evaluated: 2024-03-05. Review status: criteria provided, single submitter. Criteria: ACMG Guidelines, 2015. Collection method: clinical testing. Allele origin: germline.
Comment: This missense variant replaces leucine with arginine at codon 931 of the PALB2 protein. Computational prediction is inconclusive regarding the impact of this variant on protein structure and function. Functional studies have shown that the variant protein is fully functional as determined by normal protein expression, homology-directed recombination activity and cell cycle control (PMID: 31636395, 31757951). This variant has been detected in at least 5 individuals affected with breast cancer (PMID: 24556926, 25452441, 30086788, 33471991, 33980423) and individual affected with ovarian cancer (PMID: 30651582) and suspected hereditary breast and ovarian cancer families (PMID: 31159747). This variant has been identified in 4/250918 chromosomes in the general population by the Genome Aggregation Database (gnomAD). The available evidence is insufficient to determine the role of this variant in disease conclusively. Therefore, this variant is classified as a Variant of Uncertain Significance.

Baylor Genetics
Classification: Uncertain significance for Familial cancer of breast. Last evaluated: 2023-10-16. Review status: criteria provided, single submitter. Criteria: ACMG Guidelines, 2015. Collection method: clinical testing. Allele origin: unknown.

Quest Diagnostics Nichols Institute San Juan Capistrano
Classification: Uncertain significance. Last evaluated: 2023-02-06. Review status: criteria provided, single submitter. Criteria: Quest Diagnostics criteria. Collection method: clinical testing. Allele origin: unknown.
Comment: The frequency of this variant in the general population, 0.000035 (4/113416 chromosomes), is uninformative in assessment of its pathogenicity. In the published literature, the variant has been reported in individuals with a personal or family history of breast and/or ovarian cancer (PMIDs: 33980423 (2021), 33471991 (2021) see also LOVD, 31159747 (2019), 30086788 (2018), 29522266 (2018), 25452441 (2015), 24556926 (2014)), colorectal cancer (PMID: 31942411 (2019)), and healthy individuals (PMIDs: 32658311 (2021), 33471991 (2021) see also LOVD). Functional studies report the variant does not impact PALB2 function (PMIDs: 31636395 (2020), 31757951 (2019)). Analysis of this variant using bioinformatics tools for the prediction of the effect of amino acid changes on protein structure and function yielded conflicting predictions that this variant is benign or damaging. Based on the available information, we are unable to determine the clinical significance of this variant.

Clinical Genetics Laboratory, Skane University Hospital Lund
Classification: Uncertain significance. Last evaluated: 2022-12-12. Review status: criteria provided, single submitter. Criteria: ACMG Guidelines, 2015. Collection method: clinical testing. Allele origin: germline. Affected: yes.

NM_024675.4(PALB2):c.2792T>G (p.Leu931Arg)

Gene: PALB2 (partner and localizer of BRCA2; minus strand). Cytogenetic location: 16p12.2.
Variant type: single nucleotide variant.
Coding change: c.2792T>G on transcript NM_024675.4 (MANE Select); coding-DNA position 2792, T replaced by G.
Protein change: p.Leu931Arg; replaces leucine 931 with arginine.
Molecular consequence: missense variant.
Genome position (GRCh38, 1-based): chr16:23,624,051, A>C on the plus strand (T>G on the coding strand, the complement: PALB2 is on the minus strand). VCF-style: chr16-23624051-A-C. GRCh37 (hg19) VCF-style: chr16-23635372-A-C.
Other names: short protein forms L931R.
Identifiers: ClinVar variation 186840 (VCV000186840.76), dbSNP rs773831304, ClinGen allele CA196017.
Genomic context (GRCh38, chr16:23,624,051, plus strand): 5'-TCCTTGGGAATTACATACCTGATCTCTCTGATTTCCAAATTTCCCAAAGCTACACACACG[A>C]GATTATACACATCAGGCACTGGAACTATCTGTAATACTGGAACCTAAATAAAACAAAGCA-3'
Protein context (NP_078951.2, residues 921-941): QIVPVPDVYN[Leu931Arg]VCVALGNLEI